The following is an entry in ClinVar:

ClinVar aggregate classification (germline): Uncertain significance (1 of 4 stars; one submission).

gnomAD v4.1: 1 of 1,613,954 alleles (0.000062%); no homozygotes.

Submission:

Labcorp Genetics (formerly Invitae), Labcorp
Classification: Uncertain significance. Last evaluated: 2022-06-13. Review status: criteria provided, single submitter. Criteria: Invitae Variant Classification Sherloc (09022015). Collection method: clinical testing. Allele origin: germline.
Comment: Algorithms developed to predict the effect of missense changes on protein structure and function output the following: SIFT: "Tolerated"; PolyPhen-2: "Benign"; Align-GVGD: "Class C0". The glycine amino acid residue is found in multiple mammalian species, which suggests that this missense change does not adversely affect protein function. In summary, the available evidence is currently insufficient to determine the role of this variant in disease. Therefore, it has been classified as a Variant of Uncertain Significance. Algorithms developed to predict the effect of sequence changes on RNA splicing suggest that this variant may create or strengthen a splice site. This variant has not been reported in the literature in individuals affected with ADGRV1-related conditions. This variant is not present in population databases (gnomAD no frequency). This sequence change replaces serine, which is neutral and polar, with glycine, which is neutral and non-polar, at codon 1290 of the ADGRV1 protein (p.Ser1290Gly).

NM_032119.4(ADGRV1):c.3868A>G (p.Ser1290Gly)

Gene: ADGRV1 (adhesion G protein-coupled receptor V1; plus strand). Cytogenetic location: 5q14.3.
Variant type: single nucleotide variant.
Coding change: c.3868A>G on transcript NM_032119.4 (MANE Select); coding-DNA position 3868, A replaced by G.
Protein change: p.Ser1290Gly; replaces serine 1290 with glycine.
Molecular consequence: missense variant. On other transcripts: non-coding transcript variant (1).
Genome position (GRCh38, 1-based): chr5:90,653,442, A>G. VCF-style: chr5-90653442-A-G. GRCh37 (hg19) VCF-style: chr5-89949259-A-G.
Other names: short protein forms S1290G.
Identifiers: ClinVar variation 1461671 (VCV001461671.6), dbSNP rs1768935110, ClinGen allele CA360399469.